The following is an entry in ClinVar:

NM_000180.4(GUCY2D):c.1297C>G (p.Arg433Gly)

Gene: GUCY2D (guanylate cyclase 2D, retinal; plus strand). Cytogenetic location: 17p13.1.
Variant type: single nucleotide variant.
Coding change: c.1297C>G on transcript NM_000180.4 (MANE Select); coding-DNA position 1297, C replaced by G.
Protein change: p.Arg433Gly; replaces arginine 433 with glycine.
Molecular consequence: missense variant.
Genome position (GRCh38, 1-based): chr17:8,006,633, C>G. VCF-style: chr17-8006633-C-G. GRCh37 (hg19) VCF-style: chr17-7909951-C-G.
Other names: short protein forms R433G.
Identifiers: ClinVar variation 955053 (VCV000955053.7), dbSNP rs769749617, ClinGen allele CA8365701.

ClinVar aggregate classification (germline): Uncertain significance. Review status: criteria provided, multiple submitters, no conflicts (2 of 4 stars). 3 submissions from 3 submitters: Uncertain significance (3). Last evaluated 2024-08-06.

Conditions:
Cone-rod dystrophy 6 (CORD6). Also called: RETINAL CONE DYSTROPHY 2; Cone dystrophy progressive. Identifiers: Orphanet 1872, MedGen C1866293, MONDO:0011143, OMIM 601777.
Leber congenital amaurosis 1 (LCA1). Also called: Congenital absence of the rods and cones; Leber's congenital tapetoretinal degeneration; Leber's congenital tapetoretinal dysplasia; RETINAL BLINDNESS, CONGENITAL; AMAUROSIS CONGENITA OF LEBER I. Identifiers: Orphanet 65, MedGen C2931258, MONDO:0008764, OMIM 204000.
Inborn genetic diseases. Identifiers: MedGen C0950123, MeSH D030342.

Allele frequency attached by ClinVar (database versions not stated): ExAC 0.00003; gnomAD 0.00010 and 0.00011; TOPMed 0.00015.
gnomAD v4.1: 40 of 1,612,738 alleles (0.0025%); highest among the groups gnomAD compares: African/African-American, 0.047%; no homozygotes.

Submissions (3):

Blueprint Genetics
Classification: Uncertain significance. Last evaluated: 2024-08-06. Review status: criteria provided, single submitter. Criteria: ACMG Guidelines, 2015. Collection method: clinical testing. Allele origin: germline.

Ambry Genetics
Classification: Uncertain significance for Inborn genetic diseases. Last evaluated: 2024-01-09. Review status: criteria provided, single submitter. Criteria: Ambry Variant Classification Scheme 2023. Collection method: clinical testing. Allele origin: germline.

Labcorp Genetics (formerly Invitae), Labcorp
Classification: Uncertain significance for Leber congenital amaurosis 1; Cone-rod dystrophy 6. Last evaluated: 2022-08-16. Review status: criteria provided, single submitter. Criteria: Invitae Variant Classification Sherloc (09022015). Collection method: clinical testing. Allele origin: germline.
Comment: This sequence change replaces arginine, which is basic and polar, with glycine, which is neutral and non-polar, at codon 433 of the GUCY2D protein (p.Arg433Gly). This variant is present in population databases (rs769749617, gnomAD 0.04%). This missense change has been observed in individual(s) with clinical features of GUCY2D-related conditions (Invitae). ClinVar contains an entry for this variant (Variation ID: 955053). Algorithms developed to predict the effect of missense changes on protein structure and function (SIFT, PolyPhen-2, Align-GVGD) all suggest that this variant is likely to be tolerated. In summary, the available evidence is currently insufficient to determine the role of this variant in disease. Therefore, it has been classified as a Variant of Uncertain Significance.